The following is an entry in ClinVar:

NM_004260.4(RECQL4):c.449C>T (p.Ser150Phe)

Gene: RECQL4 (RecQ like helicase 4; minus strand). Cytogenetic location: 8q24.3.
Variant type: single nucleotide variant.
Coding change: c.449C>T on transcript NM_004260.4 (MANE Select); coding-DNA position 449, C replaced by T.
Protein change: p.Ser150Phe; replaces serine 150 with phenylalanine.
Molecular consequence: missense variant.
Genome position (GRCh38, 1-based): chr8:144,516,670, G>A on the plus strand (C>T on the coding strand, the complement: RECQL4 is on the minus strand). VCF-style: chr8-144516670-G-A. GRCh37 (hg19) VCF-style: chr8-145742054-G-A.
Other names: c.449C>T, p.Ser150Phe (NM_001413017.1, NM_001413018.1, NM_001413019.1 and 4 more transcripts); c.-623C>T (NM_001413022.1, NM_001413023.1, NM_001413037.1 and 3 more transcripts); c.320C>T, p.Ser107Phe (NM_001413025.1); c.-685C>T (NM_001413027.1, NM_001413030.1, NM_001413031.1 and 1 more transcripts); c.-527C>T (NM_001413034.1); c.-892C>T (NM_001413043.1); c.449C>T (NM_004260.3); short protein forms S150F, S107F.
Identifiers: ClinVar variation 2065760 (VCV002065760.5), dbSNP rs748466411, ClinGen allele CA4949287.

ClinVar aggregate classification (germline): Uncertain significance. Review status: criteria provided, multiple submitters, no conflicts (2 of 4 stars). 2 submissions from 2 submitters: Uncertain significance (2). Last evaluated 2025-09-21.

Conditions:
Inborn genetic diseases. Identifiers: MedGen C0950123, MeSH D030342.
Baller-Gerold syndrome (BGS). Also called: CRANIOSYNOSTOSIS WITH RADIAL DEFECTS. Identifiers: Orphanet 1225, MedGen C0265308, MONDO:0009039, OMIM 218600.

Allele frequency attached by ClinVar (database versions not stated): gnomAD 0.00001; gnomAD exomes 0.00001; TOPMed 0.00001; ExAC 0.00005.
gnomAD v4.1: 9 of 1,596,996 alleles (0.00056%); highest among the groups gnomAD compares: South Asian, 0.0056%; no homozygotes.

Submissions (2):

Ambry Genetics
Classification: Uncertain significance for Inborn genetic diseases. Last evaluated: 2025-09-21. Review status: criteria provided, single submitter. Criteria: Ambry Variant Classification Scheme 2023. Collection method: clinical testing. Allele origin: germline.
Comment: The p.S150F variant (also known as c.449C>T), located in coding exon 5 of the RECQL4 gene, results from a C to T substitution at nucleotide position 449. The serine at codon 150 is replaced by phenylalanine, an amino acid with highly dissimilar properties. This amino acid position is conserved. In addition, this alteration is predicted to be tolerated by in silico analysis. Based on the available evidence, the clinical significance of this variant remains unclear.

Labcorp Genetics (formerly Invitae), Labcorp
Classification: Uncertain significance for Baller-Gerold syndrome. Last evaluated: 2024-04-08. Review status: criteria provided, single submitter. Criteria: Invitae Variant Classification Sherloc (09022015). Collection method: clinical testing. Allele origin: germline.
Comment: This sequence change replaces serine, which is neutral and polar, with phenylalanine, which is neutral and non-polar, at codon 150 of the RECQL4 protein (p.Ser150Phe). This variant is present in population databases (rs748466411, gnomAD 0.01%). This variant has not been reported in the literature in individuals affected with RECQL4-related conditions. ClinVar contains an entry for this variant (Variation ID: 2065760). Advanced modeling of protein sequence and biophysical properties (such as structural, functional, and spatial information, amino acid conservation, physicochemical variation, residue mobility, and thermodynamic stability) performed at Invitae indicates that this missense variant is not expected to disrupt RECQL4 protein function with a negative predictive value of 80%. In summary, the available evidence is currently insufficient to determine the role of this variant in disease. Therefore, it has been classified as a Variant of Uncertain Significance.